The following is an entry in ClinVar:

NM_207346.3(TSEN54):c.469-13_469-9del

Gene: TSEN54 (tRNA splicing endonuclease subunit 54; plus strand). Cytogenetic location: 17q25.1.
Variant type: Deletion.
Coding change: c.469-13_469-9del on transcript NM_207346.3 (MANE Select); 13 bases into the intron before coding-DNA position 469 through 9 bases into the intron before coding-DNA position 469, 5 bases deleted (TTTTT; older notation c.469-13_469-9delTTTTT).
Molecular consequence: intron variant.
Genome position (GRCh38, 1-based): chr17:75,518,982-75,518,986, TTTTT deleted; deleting any 5 consecutive bases within chr17:75,518,975-75,518,986 gives the same sequence; the c. name uses the placement nearest the transcript's 3' end. VCF-style (leftmost placement, unchanged base first): chr17-75518974-ATTTTT-A. GRCh37 (hg19) VCF-style: chr17-73515055-ATTTTT-A.
Other names: c.469-13_469-9del5 (NM_207346.2).
Identifiers: ClinVar variation 2962704 (VCV002962704.4), dbSNP rs553358538, ClinGen allele CA8764145.

ClinVar aggregate classification (germline): Likely benign. Review status: criteria provided, multiple submitters, no conflicts (2 of 4 stars). 2 submissions from 2 submitters: Likely benign (2). Last evaluated 2026-05-19.

Conditions:
TSEN54-related disorder. Also called: TSEN54-related condition.

Submissions (2):

PreventionGenetics, part of Exact Sciences
Classification: Likely benign for TSEN54-related condition. Last evaluated: 2026-05-19. Review status: criteria provided, single submitter. Criteria: ACMG Guidelines, 2015. Collection method: clinical testing. Allele origin: germline.
Comment: This variant is classified as likely benign based on ACMG/AMP sequence variant interpretation guidelines (Richards et al. 2015 PMID: 25741868, with internal and published modifications).

Labcorp Genetics (formerly Invitae), Labcorp
Classification: Likely benign. Last evaluated: 2024-02-19. Review status: criteria provided, single submitter. Criteria: Invitae Variant Classification Sherloc (09022015). Collection method: clinical testing. Allele origin: germline.